The following is an entry in ClinVar:

NM_000098.3(CPT2):c.504T>C (p.Ala168=)

Gene: CPT2 (carnitine palmitoyltransferase 2; plus strand). Cytogenetic location: 1p32.3.
Variant type: single nucleotide variant.
Coding change: c.504T>C on transcript NM_000098.3 (MANE Select); coding-DNA position 504, T replaced by C.
Protein change: p.Ala168=; no amino-acid change (alanine 168 retained).
Molecular consequence: synonymous variant.
Genome position (GRCh38, 1-based): chr1:53,210,178, T>C. VCF-style: chr1-53210178-T-C. GRCh37 (hg19) VCF-style: chr1-53675850-T-C.
Other names: c.504T>C, p.Ala168= (NM_001330589.2).
Identifiers: ClinVar variation 1611448 (VCV001611448.9), dbSNP rs1178731855, ClinGen allele CA417874733.

ClinVar aggregate classification (germline): Likely benign. Review status: criteria provided, multiple submitters, no conflicts (2 of 4 stars). 2 submissions from 2 submitters: Likely benign (2). Last evaluated 2026-09-01.

Conditions:
Carnitine palmitoyltransferase II deficiency. Also called: Carnitine Palmitoyltransferase 2 Deficiency. Identifiers: Orphanet 157, MedGen C0342790, MONDO:0015515.

Allele frequency attached by ClinVar (database versions not stated): gnomAD exomes below 0.00001 and 0.00001; gnomAD 0.00001; TOPMed 0.00001.
gnomAD v4.1: 7 of 1,614,038 alleles (0.00043%); highest among the groups gnomAD compares: Non-Finnish European, 0.00059%; no homozygotes.

Submissions (2):

CeGaT Center for Human Genetics Tuebingen
Classification: Likely benign. Last evaluated: 2026-09-01. Review status: criteria provided, single submitter. Criteria: CeGaT Center For Human Genetics Tuebingen Variant Classification Criteria Version 2. Collection method: clinical testing. Allele origin: germline. Affected: yes. Observed: 1 variant allele.
Comment: CPT2: BP4, BP7

Labcorp Genetics (formerly Invitae), Labcorp
Classification: Likely benign for Carnitine palmitoyltransferase II deficiency. Last evaluated: 2025-08-09. Review status: criteria provided, single submitter. Criteria: Invitae Variant Classification Sherloc (09022015). Collection method: clinical testing. Allele origin: germline.